The following is an entry in ClinVar:

ClinVar aggregate classification (germline): Uncertain significance (1 of 4 stars; one submission).

Conditions:
Ataxia-telangiectasia syndrome (AT). Also called: Ataxia-telangiectasia, complementation group D; AT, COMPLEMENTATION GROUP C; ATAXIA-TELANGIECTASIA, COMPLEMENTATION GROUP A; ATAXIA-TELANGIECTASIA, FRESNO VARIANT; Ataxia-telangiectasia, complementation group E; LOUIS-BAR SYNDROME. Identifiers: Orphanet 100, MedGen C0004135, MONDO:0008840, OMIM 208900.

Submission:

Labcorp Genetics (formerly Invitae), Labcorp
Classification: Uncertain significance for Ataxia-telangiectasia syndrome. Last evaluated: 2022-10-03. Review status: criteria provided, single submitter. Criteria: Invitae Variant Classification Sherloc (09022015). Collection method: clinical testing. Allele origin: germline.
Comment: In summary, the available evidence is currently insufficient to determine the role of this variant in disease. Therefore, it has been classified as a Variant of Uncertain Significance. Algorithms developed to predict the effect of sequence changes on RNA splicing suggest that this variant may create or strengthen a splice site. This variant has not been reported in the literature in individuals affected with ATM-related conditions. This variant is not present in population databases (gnomAD no frequency). This sequence change falls in intron 49 of the ATM gene. It does not directly change the encoded amino acid sequence of the ATM protein.

NM_000051.4(ATM):c.7307+13C>G

Genes: ATM (ATM serine/threonine kinase; plus strand), C11orf65 (chromosome 11 open reading frame 65; minus strand). Cytogenetic location: 11q22.3.
Variant type: single nucleotide variant.
Coding change: c.7307+13C>G on transcript NM_000051.4 (MANE Select); 13 bases into the intron after coding-DNA position 7307, C replaced by G.
Molecular consequence: intron variant.
Genome position (GRCh38, 1-based): chr11:108,329,251, C>G. VCF-style: chr11-108329251-C-G. GRCh37 (hg19) VCF-style: chr11-108199978-C-G.
Other names: c.7307+13C>G (NM_001351834.2); c.641-20180G>C (NM_001330368.2); c.*38+5969G>C (NM_001351110.2).
Identifiers: ClinVar variation 2004906 (VCV002004906.4), dbSNP rs2136425173, ClinGen allele CA2580083338.